The following is an entry in ClinVar:

ClinVar aggregate classification (germline): Uncertain significance (1 of 4 stars; one submission).

Conditions:
Spermatogenic failure 18. Identifiers: MedGen C4539783, MONDO:0054615, OMIM 617576.
Ciliary dyskinesia, primary, 37 (CILD37). Also called: CILIARY DYSKINESIA, PRIMARY, 37, WITH OR WITHOUT SITUS INVERSUS. Identifiers: MedGen C4539798, MONDO:0033204, OMIM 617577.

Allele frequency attached by ClinVar (database versions not stated): gnomAD exomes below 0.00001; gnomAD 0.00001.
gnomAD v4.1: 2 of 1,602,754 alleles (0.00012%); highest among the groups gnomAD compares: Admixed American, 0.0034%; no homozygotes.

Submission:

Labcorp Genetics (formerly Invitae), Labcorp
Classification: Uncertain significance for Ciliary dyskinesia, primary, 37; Spermatogenic failure 18. Last evaluated: 2022-06-04. Review status: criteria provided, single submitter. Criteria: Invitae Variant Classification Sherloc (09022015). Collection method: clinical testing. Allele origin: germline.
Comment: This sequence change replaces glutamic acid, which is acidic and polar, with glutamine, which is neutral and polar, at codon 3436 of the DNAH1 protein (p.Glu3436Gln). This variant is present in population databases (no rsID available, gnomAD 0.006%). This variant has not been reported in the literature in individuals affected with DNAH1-related conditions. ClinVar contains an entry for this variant (Variation ID: 650812). Algorithms developed to predict the effect of missense changes on protein structure and function are either unavailable or do not agree on the potential impact of this missense change (SIFT: "Deleterious"; PolyPhen-2: "Possibly Damaging"; Align-GVGD: "Class C0"). In summary, the available evidence is currently insufficient to determine the role of this variant in disease. Therefore, it has been classified as a Variant of Uncertain Significance.

NM_015512.5(DNAH1):c.10306G>C (p.Glu3436Gln)

Gene: DNAH1 (dynein axonemal heavy chain 1; plus strand). Cytogenetic location: 3p21.1.
Variant type: single nucleotide variant.
Coding change: c.10306G>C on transcript NM_015512.5 (MANE Select); coding-DNA position 10306, G replaced by C.
Protein change: p.Glu3436Gln; replaces glutamic acid 3436 with glutamine.
Molecular consequence: missense variant.
Genome position (GRCh38, 1-based): chr3:52,392,857, G>C. VCF-style: chr3-52392857-G-C. GRCh37 (hg19) VCF-style: chr3-52426873-G-C.
Other names: short protein forms E3436Q.
Identifiers: ClinVar variation 650812 (VCV000650812.3), dbSNP rs1270529658, ClinGen allele CA353201698.